The following is an entry in ClinVar:

NM_001367873.1(SOX6):c.2466G>A (p.Pro822=)

Gene: SOX6 (SRY-box transcription factor 6; minus strand). Cytogenetic location: 11p15.2.
Variant type: single nucleotide variant.
Coding change: c.2466G>A on transcript NM_001367873.1 (MANE Select); coding-DNA position 2466, G replaced by A.
Protein change: p.Pro822=; no amino-acid change (proline 822 retained).
Molecular consequence: synonymous variant.
Genome position (GRCh38, 1-based): chr11:15,972,830, C>T on the plus strand (G>A on the coding strand, the complement: SOX6 is on the minus strand). VCF-style: chr11-15972830-C-T. GRCh37 (hg19) VCF-style: chr11-15994376-C-T.
Other names: c.2385G>A, p.Pro795= (NM_001145811.2, NM_017508.3); c.2466G>A, p.Pro822= (NM_001145819.2); c.2343G>A, p.Pro781= (NM_001367872.1); c.2406G>A, p.Pro802= (NM_033326.3).
Identifiers: ClinVar variation 1598280 (VCV001598280.21), dbSNP rs201395591, ClinGen allele CA5897910.

ClinVar aggregate classification (germline): Likely benign. Review status: criteria provided, multiple submitters, no conflicts (2 of 4 stars). 2 submissions from 2 submitters: Likely benign (2). Last evaluated 2025-02-01.

Allele frequency attached by ClinVar (database versions not stated): TOPMed below 0.00001; gnomAD 0.00001 and 0.00002; ExAC 0.00002; gnomAD exomes 0.00002; 1000 Genomes Project 30x 0.00016; 1000 Genomes Project 0.00020.
gnomAD v4.1: 17 of 1,614,162 alleles (0.0011%); highest among the groups gnomAD compares: Admixed American, 0.017%; 1 homozygote.

Submissions (2):

CeGaT Center for Human Genetics Tuebingen
Classification: Likely benign. Last evaluated: 2025-02-01. Review status: criteria provided, single submitter. Criteria: CeGaT Center For Human Genetics Tuebingen Variant Classification Criteria Version 2. Collection method: clinical testing. Allele origin: germline. Affected: yes. Observed: 1 variant allele.
Comment: SOX6: BP4, BP7

Labcorp Genetics (formerly Invitae), Labcorp
Classification: Likely benign. Last evaluated: 2021-07-06. Review status: criteria provided, single submitter. Criteria: Invitae Variant Classification Sherloc (09022015). Collection method: clinical testing. Allele origin: germline.